The following is an entry in ClinVar:

ClinVar aggregate classification (germline): Uncertain significance (1 of 4 stars; one submission).

Conditions:
Pfeiffer syndrome (ACS5). Also called: ACS V. Identifiers: Orphanet 710, MedGen C0220658, MONDO:0007043, OMIM 101600.
Hypogonadotropic hypogonadism 2 with or without anosmia (HH2). Also called: HYPOGONADOTROPIC HYPOGONADISM 2 WITH OR WITHOUT ANOSMIA, SUSCEPTIBILITY TO; HYPOGONADOTROPIC HYPOGONADISM 2 WITHOUT ANOSMIA, SUSCEPTIBILITY TO; HYPOGONADOTROPIC HYPOGONADISM 2 WITHOUT ANOSMIA; FGFR1-Related GnRH Deficiency (Kallmann Syndrome 2). Identifiers: Orphanet 478, MedGen C1563720, MONDO:0007844, OMIM 147950. Disease mechanism: loss of function.

gnomAD v4.1: 2 of 1,613,014 alleles (0.00012%); highest among the groups gnomAD compares: Admixed American, 0.0017%; no homozygotes.

Submission:

Labcorp Genetics (formerly Invitae), Labcorp
Classification: Uncertain significance for Pfeiffer syndrome; Hypogonadotropic hypogonadism 2 with or without anosmia. Last evaluated: 2025-12-23. Review status: criteria provided, single submitter. Criteria: Invitae Variant Classification Sherloc (09022015). Collection method: clinical testing. Allele origin: germline.
Comment: This sequence change replaces alanine, which is neutral and non-polar, with threonine, which is neutral and polar, at codon 268 of the FGFR1 protein (p.Ala268Thr). This variant is not present in population databases (gnomAD no frequency). This variant has not been reported in the literature in individuals affected with FGFR1-related conditions. Invitae Evidence Modeling of protein sequence and biophysical properties (such as structural, functional, and spatial information, amino acid conservation, physicochemical variation, residue mobility, and thermodynamic stability) indicates that this missense variant is not expected to disrupt FGFR1 protein function with a negative predictive value of 80%. In summary, the available evidence is currently insufficient to determine the role of this variant in disease. Therefore, it has been classified as a Variant of Uncertain Significance.

NM_023110.3(FGFR1):c.802G>A (p.Ala268Thr)

Gene: FGFR1 (fibroblast growth factor receptor 1; minus strand). Cytogenetic location: 8p11.23.
Variant type: single nucleotide variant.
Coding change: c.802G>A on transcript NM_023110.3 (MANE Select); coding-DNA position 802, G replaced by A.
Protein change: p.Ala268Thr; replaces alanine 268 with threonine.
Molecular consequence: missense variant.
Genome position (GRCh38, 1-based): chr8:38,424,643, C>T on the plus strand (G>A on the coding strand, the complement: FGFR1 is on the minus strand). VCF-style: chr8-38424643-C-T. GRCh37 (hg19) VCF-style: chr8-38282161-C-T.
Other names: c.802G>A, p.Ala268Thr (NM_001174063.2); c.778G>A, p.Ala260Thr (NM_001174064.2); c.796G>A, p.Ala266Thr (NM_001174065.2, NM_001354367.2, NM_001354369.2 and 2 more transcripts); c.535G>A, p.Ala179Thr (NM_001174066.2, NM_023105.3); c.895G>A, p.Ala299Thr (NM_001174067.2); c.529G>A, p.Ala177Thr (NM_001354368.2, NM_001354370.2, NM_023106.3); short protein forms A260T, A268T, A299T, A266T, A177T, A179T.
Identifiers: ClinVar variation 4791588 (VCV004791588.1).